The following is an entry in ClinVar:

NM_198904.4(GABRG2):c.1297C>T (p.Arg433Ter)

Gene: GABRG2 (gamma-aminobutyric acid type A receptor subunit gamma2; plus strand). Cytogenetic location: 5q34.
Variant type: single nucleotide variant.
Coding change: c.1297C>T on transcript NM_198904.4 (MANE Select); coding-DNA position 1297, C replaced by T.
Protein change: p.Arg433Ter; replaces arginine 433 with a stop codon.
Molecular consequence: nonsense. On other transcripts: 3 prime UTR variant (1).
Genome position (GRCh38, 1-based): chr5:162,153,237, C>T. VCF-style: chr5-162153237-C-T. GRCh37 (hg19) VCF-style: chr5-161580243-C-T.
Other names: c.1273C>T, p.Arg425Ter (NM_000816.3); c.1288C>T, p.Arg430Ter (NM_001375339.1); c.*131C>T (NM_001375340.1); c.1294C>T, p.Arg432Ter (NM_001375341.1); c.1270C>T, p.Arg424Ter (NM_001375342.1); c.1393C>T, p.Arg465Ter (NM_001375343.1); c.1336C>T, p.Arg446Ter (NM_001375344.1); c.1207C>T, p.Arg403Ter (NM_001375345.1); and 6 more; short protein forms R425*, R473*, R433*, R285*, R293*, R330*, R403*, R404*.
Identifiers: ClinVar variation 1451576 (VCV001451576.8), dbSNP rs1554101224, ClinGen allele CA314747.
Genomic context (GRCh38, chr5:162,153,237, plus strand): 5'-GGCTATGAGTGTCTGGACGGCAAGGACTGTGCCAGTTTTTTCTGCTGTTTTGAAGATTGT[C>T]GAACAGGAGCTTGGAGACATGGGAGGATACATATCCGCATTGCCAAAATGGACTCCTATG-3'

ClinVar aggregate classification (germline): Pathogenic/Likely pathogenic. Review status: criteria provided, multiple submitters, no conflicts (2 of 4 stars). 2 submissions from 2 submitters: Pathogenic (1); Likely pathogenic (1). Last evaluated 2023-09-22.

Conditions:
EPILEPSY, CHILDHOOD ABSENCE, SUSCEPTIBILITY TO, 2 (ECA2). Identifiers: Orphanet 64280, MedGen C1843244, OMIM 607681.
Febrile seizures, familial, 8 (FEB8). Also called: CONVULSIONS, FAMILIAL FEBRILE, 8. Identifiers: Orphanet 36387, MedGen C1969810, MONDO:0011891, OMIM 607681.

Allele frequency attached by ClinVar (database versions not stated): gnomAD exomes below 0.00001.

Submissions (2):

Revvity Omics, Revvity
Classification: Likely pathogenic. Last evaluated: 2023-09-22. Review status: criteria provided, single submitter. Criteria: ACMG Guidelines, 2015. Collection method: clinical testing. Allele origin: germline.

Labcorp Genetics (formerly Invitae), Labcorp
Classification: Pathogenic for Febrile seizures, familial, 8; EPILEPSY, CHILDHOOD ABSENCE, SUSCEPTIBILITY TO, 2. Last evaluated: 2021-11-30. Review status: criteria provided, single submitter. Criteria: Invitae Variant Classification Sherloc (09022015). Collection method: clinical testing. Allele origin: germline.
Comment: For these reasons, this variant has been classified as Pathogenic. This variant disrupts a region of the GABRG2 protein in which other variant(s) (p.Trp429*) have been determined to be pathogenic (PMID: 18566737). This suggests that this is a clinically significant region of the protein, and that variants that disrupt it are likely to be disease-causing. This premature translational stop signal has been observed in individual(s) with GABRG2-related conditions (PMID: 26633542). This variant is not present in population databases (gnomAD no frequency). This sequence change creates a premature translational stop signal (p.Arg425*) in the GABRG2 gene. While this is not anticipated to result in nonsense mediated decay, it is expected to disrupt the last 43 amino acid(s) of the GABRG2 protein.

Literature cited by the submitters: PubMed 18566737 (cited by Labcorp Genetics (formerly Invitae), Labcorp); PubMed 26633542 (cited by Labcorp Genetics (formerly Invitae), Labcorp).